The following is an entry in ClinVar:

ClinVar aggregate classification (germline): Uncertain significance (1 of 4 stars; one submission).

Conditions:
Intellectual developmental disorder, autosomal dominant 52. Also called: Intellectual disability, autosomal dominant 52; Mental retardation, autosomal dominant 52. Identifiers: MedGen C4540478, MONDO:0030918, OMIM 617796.

Allele frequency attached by ClinVar (database versions not stated): gnomAD exomes below 0.00001.
gnomAD v4.1: 2 of 1,604,192 alleles (0.00012%); highest among the groups gnomAD compares: South Asian, 0.0022%; no homozygotes.

Submission:

Neuberg Centre For Genomic Medicine, NCGM
Classification: Uncertain significance for Intellectual developmental disorder, autosomal dominant 52. Review status: criteria provided, single submitter. Criteria: ACMG Guidelines, 2015. Collection method: clinical testing. Allele origin: germline. Inheritance: Autosomal dominant inheritance. Affected: yes.
Comment: The observed missense c.5003A>G(p.Asp1668Gly) variant in ASH1L gene has not been reported previously as a pathogenic variant nor a benign variant, to our knowledge. The p.Asp1668Gly variant is absent in gnomAD Exomes. This variant has not been submitted to the ClinVar database. The amino acid change p.Asp1668Gly in ASH1L is predicted as conserved by GERP++ and PhyloP across 100 vertebrates. The amino acid Asp at position 1668 is changed to a Gly changing protein sequence and it might alter its composition and physico-chemical properties. Computational evidence (Polyphen - Benign, SIFT - Damaging and MutationTaster - Polymorphism) predicts conflicting evidence on protein structure and function for this variant. For these reasons, this variant has been classified as a Variant of Uncertain Significance (VUS).

NM_018489.3(ASH1L):c.5003A>G (p.Asp1668Gly)

Gene: ASH1L (ASH1 like histone lysine methyltransferase; minus strand). Cytogenetic location: 1q22.
Variant type: single nucleotide variant.
Coding change: c.5003A>G on transcript NM_018489.3 (MANE Select); coding-DNA position 5003, A replaced by G.
Protein change: p.Asp1668Gly; replaces aspartic acid 1668 with glycine.
Molecular consequence: missense variant.
Genome position (GRCh38, 1-based): chr1:155,459,880, T>C on the plus strand (A>G on the coding strand, the complement: ASH1L is on the minus strand). VCF-style: chr1-155459880-T-C. GRCh37 (hg19) VCF-style: chr1-155429671-T-C.
Other names: c.5003A>G, p.Asp1668Gly (NM_001366177.2); short protein forms D1668G.
Identifiers: ClinVar variation 3242160 (VCV003242160.1), dbSNP rs2526998241.